The following is an entry in ClinVar:

ClinVar aggregate classification (germline): Pathogenic (1 of 4 stars; one submission).

Conditions:
Metachromatic leukodystrophy (MLD). Also called: ARSA DEFICIENCY; CEREBROSIDE SULFATASE DEFICIENCY; METACHROMATIC LEUKOENCEPHALOPATHY; SULFATIDE LIPIDOSIS; Cerebral sclerosis diffuse metachromatic form; Arylsulfatase A Deficiency. Identifiers: Orphanet 512, MedGen C0023522, MONDO:0018868, OMIM 250100.

Submission:

Myriad Genetics, Inc.
Classification: Pathogenic for Metachromatic leukodystrophy. Last evaluated: 2025-06-14. Review status: criteria provided, single submitter. Criteria: Myriad Autosomal Dominant, Autosomal Recessive and X-Linked Classification Criteria (2023). Collection method: clinical testing. Allele origin: unknown.
Comment: NM_000487.5(ARSA):c.922_925dupTACG(E309Vfs*52) is expected to be pathogenic in the context of metachromatic leukodystrophy. This variant is predicted to lead to an abnormal or absent protein product due to the creation of a premature termination codon in ARSA, a gene where loss-of-function variants are known to be pathogenic. Please note: this variant was assessed in the context of healthy population screening.

NM_000487.6(ARSA):c.922_925dup (p.Glu309fs)

Gene: ARSA (arylsulfatase A; minus strand). Cytogenetic location: 22q13.33.
Variant type: Duplication.
Coding change: c.922_925dup on transcript NM_000487.6 (MANE Select); coding-DNA positions 922 to 925, 4 bases duplicated (TACG; older notation c.922_925dupTACG).
Protein change: p.Glu309fs; shifts the reading frame from glutamic acid 309.
Molecular consequence: frameshift variant.
Genome position (GRCh38, 1-based): chr22:50,626,208-50,626,211, CGTA duplicated on the plus strand (TACG on the coding strand, the reverse complement: ARSA is on the minus strand). VCF-style (leftmost placement, unchanged base first): chr22-50626207-T-TCGTA. GRCh37 (hg19) VCF-style: chr22-51064635-T-TCGTA.
Other names: c.922_925dup, p.Glu309fs (NM_001085425.3, NM_001085426.3, NM_001085427.3); c.664_667dup, p.Glu223fs (NM_001085428.3, NM_001362782.2); short protein forms E223fs, E309fs.
Identifiers: ClinVar variation 5015019 (VCV005015019.1).